The following is an entry in ClinVar:

ClinVar aggregate classification (germline): Benign/Likely benign. Review status: criteria provided, multiple submitters, no conflicts (2 of 4 stars). 2 submissions from 2 submitters: Benign (1); Likely benign (1). Last evaluated 2024-08-27.

Conditions:
Oligodontia-cancer predisposition syndrome. Also called: TOOTH AGENESIS-COLORECTAL CANCER SYNDROME. Identifiers: Orphanet 300576, MedGen C1837750, MONDO:0012075, OMIM 608615. Disease mechanism: loss of function.

Submissions (2):

Labcorp Genetics (formerly Invitae), Labcorp
Classification: Likely benign for Oligodontia-cancer predisposition syndrome. Last evaluated: 2024-08-27. Review status: criteria provided, single submitter. Criteria: Invitae Variant Classification Sherloc (09022015). Collection method: clinical testing. Allele origin: germline.

Myriad Genetics, Inc.
Classification: Benign for Oligodontia-cancer predisposition syndrome. Last evaluated: 2024-07-10. Review status: criteria provided, single submitter. Criteria: Myriad Autosomal Dominant, Autosomal Recessive and X-Linked Classification Criteria (2023). Collection method: clinical testing. Allele origin: unknown.
Comment: This variant is considered benign. This variant is a silent/synonymous amino acid change and it is not expected to impact splicing.

NM_004655.4(AXIN2):c.2199A>C (p.Gly733=)

Gene: AXIN2 (axin 2; minus strand). Cytogenetic location: 17q24.1.
Variant type: single nucleotide variant.
Coding change: c.2199A>C on transcript NM_004655.4 (MANE Select); coding-DNA position 2199, A replaced by C.
Protein change: p.Gly733=; no amino-acid change (glycine 733 retained).
Molecular consequence: synonymous variant.
Genome position (GRCh38, 1-based): chr17:65,535,664, T>G on the plus strand (A>C on the coding strand, the complement: AXIN2 is on the minus strand). VCF-style: chr17-65535664-T-G. GRCh37 (hg19) VCF-style: chr17-63531782-T-G.
Other names: c.2004A>C, p.Gly668= (NM_001363813.1).
Identifiers: ClinVar variation 1578834 (VCV001578834.9), dbSNP rs1598095790, ClinGen allele CA501476087.